The following is an entry in ClinVar:

NM_001378454.1(ALMS1):c.9257A>G (p.Asp3086Gly)

Gene: ALMS1 (ALMS1 centrosome and basal body associated protein; plus strand). Cytogenetic location: 2p13.1.
Variant type: single nucleotide variant.
Coding change: c.9257A>G on transcript NM_001378454.1 (MANE Select); coding-DNA position 9257, A replaced by G.
Protein change: p.Asp3086Gly; replaces aspartic acid 3086 with glycine.
Molecular consequence: missense variant.
Genome position (GRCh38, 1-based): chr2:73,491,216, A>G. VCF-style: chr2-73491216-A-G. GRCh37 (hg19) VCF-style: chr2-73718343-A-G.
Other names: c.9260A>G, p.Asp3087Gly (NM_015120.4); short protein forms D3086G, D3087G.
Identifiers: ClinVar variation 3351537 (VCV003351537.1).

ClinVar aggregate classification (germline): Uncertain significance (0 of 4 stars; one submission).

Conditions:
ALMS1-related disorder. Also called: ALMS1-related condition.

gnomAD v4.1: 1 of 1,614,150 alleles (0.000062%); highest among the groups gnomAD compares: Non-Finnish European, 0.000085%; no homozygotes.

Submission:

PreventionGenetics, part of Exact Sciences
Classification: Uncertain significance for ALMS1-related condition. Last evaluated: 2024-03-01. Review status: no assertion criteria provided. Collection method: clinical testing. Allele origin: germline.
Comment: The ALMS1 c.9260A>G variant is predicted to result in the amino acid substitution p.His3087Arg. To our knowledge, this variant has not been reported in the literature. This variant is reported in 0.0051% of alleles in individuals of East Asian descent in gnomAD. At this time, the clinical significance of this variant is uncertain due to the absence of conclusive functional and genetic evidence.